The following is an entry in ClinVar:

NM_000214.3(JAG1):c.1914T>G (p.Cys638Trp)

Gene: JAG1 (jagged canonical Notch ligand 1; minus strand). Cytogenetic location: 20p12.2.
Variant type: single nucleotide variant.
Coding change: c.1914T>G on transcript NM_000214.3 (MANE Select); coding-DNA position 1914, T replaced by G.
Protein change: p.Cys638Trp; replaces cysteine 638 with tryptophan.
Molecular consequence: missense variant.
Genome position (GRCh38, 1-based): chr20:10,646,056, A>C on the plus strand (T>G on the coding strand, the complement: JAG1 is on the minus strand). VCF-style: chr20-10646056-A-C. GRCh37 (hg19) VCF-style: chr20-10626704-A-C.
Other names: c.1914T>G, p.Cys638Trp (LRG_1191t1); short protein forms C638W.
Identifiers: ClinVar variation 576055 (VCV000576055.1), dbSNP rs1261301855, ClinGen allele CA408235839.
Genomic context (GRCh38, chr20:10,646,056, plus strand): 5'-GCCGTCACTACAGATGCACTTGTAGGAGTTGACACCATCGATGCAAGTGCCACCGTTTCT[A>C]CAAGGGTTGCTCTCACAGTCATTAATATCTATGAAACAAAGTAAAGCAAAAAAAGAACTG-3'
Protein context (NP_000205.1, residues 628-648): ENINDCESNP[Cys638Trp]RNGGTCIDGV

ClinVar aggregate classification (germline): Uncertain significance (1 of 4 stars; one submission).

Conditions:
Alagille syndrome due to a JAG1 point mutation. Also called: Alagille Syndrome 1; HEPATIC DUCTULAR HYPOPLASIA, SYNDROMATIC; JAG1-Related Alagille Syndrome. Identifiers: Orphanet 261619, Orphanet 52, MedGen C1956125, MONDO:0016862, OMIM 118450.

Submission:

Labcorp Genetics (formerly Invitae), Labcorp
Classification: Uncertain significance for Alagille syndrome 1. Last evaluated: 2018-02-07. Review status: criteria provided, single submitter. Criteria: Invitae Variant Classification Sherloc (09022015). Collection method: clinical testing. Allele origin: germline.
Comment: This sequence change replaces cysteine with tryptophan at codon 638 of the JAG1 protein (p.Cys638Trp). The cysteine residue is highly conserved and there is a large physicochemical difference between cysteine and tryptophan. This variant is not present in population databases (ExAC no frequency). This variant has not been reported in the literature in individuals with JAG1-related disease. Algorithms developed to predict the effect of missense changes on protein structure and function (SIFT, PolyPhen-2, Align-GVGD) all suggest that this variant is likely to be disruptive, but these predictions have not been confirmed by published functional studies and their clinical significance is uncertain. In summary, the available evidence is currently insufficient to determine the role of this variant in disease. Therefore, it has been classified as a Variant of Uncertain Significance.